The following is an entry in ClinVar:

NM_000492.4(CFTR):c.4242+6T>C

Gene: CFTR (CF transmembrane conductance regulator; plus strand). Cytogenetic location: 7q31.2.
Variant type: single nucleotide variant.
Coding change: c.4242+6T>C on transcript NM_000492.4 (MANE Select); 6 bases into the intron after coding-DNA position 4242, T replaced by C.
Molecular consequence: intron variant.
Genome position (GRCh38, 1-based): chr7:117,665,570, T>C. VCF-style: chr7-117665570-T-C. GRCh37 (hg19) VCF-style: chr7-117305624-T-C.
Identifiers: ClinVar variation 581853 (VCV000581853.8), dbSNP rs1562929200, ClinGen allele CA891842884.

ClinVar aggregate classification (germline): Uncertain significance. Review status: criteria provided, multiple submitters, no conflicts (2 of 4 stars). 3 submissions from 3 submitters: Uncertain significance (2). 1 of the submissions does not count toward it. Last evaluated 2024-08-11.

Conditions:
Cystic fibrosis (CF). Also called: MUCOVISCIDOSIS. Identifiers: Orphanet 586, MedGen C0010674, MONDO:0009061, OMIM 219700. Disease mechanism: loss of function.
CFTR-related disorder (CFTR-RD). Also called: CFTR-related disorders; CFTR-related condition. Identifiers: MedGen C5924204, MONDO:7770004.

Submissions (3):

Women's Health and Genetics/Laboratory Corporation of America, LabCorp
Classification: Uncertain significance. Last evaluated: 2024-08-11. Review status: criteria provided, single submitter. Criteria: LabCorp Variant Classification Summary - May 2015. Collection method: clinical testing. Allele origin: germline.

Labcorp Genetics (formerly Invitae), Labcorp
Classification: Uncertain significance for Cystic fibrosis. Last evaluated: 2021-09-01. Review status: criteria provided, single submitter. Criteria: Invitae Variant Classification Sherloc (09022015). Collection method: clinical testing. Allele origin: germline.
Comment: This sequence change falls in intron 26 of the CFTR gene. It does not directly change the encoded amino acid sequence of the CFTR protein. It affects a nucleotide within the consensus splice site of the intron. This variant is not present in population databases (ExAC no frequency). This variant has not been reported in the literature in individuals affected with CFTR-related conditions. Variants that disrupt the consensus splice site are a relatively common cause of aberrant splicing (PMID: 17576681, 9536098). Algorithms developed to predict the effect of sequence changes on RNA splicing suggest that this variant may disrupt the consensus splice site. In summary, the available evidence is currently insufficient to determine the role of this variant in disease. Therefore, it has been classified as a Variant of Uncertain Significance.

Natera, Inc.
Classification: Uncertain significance for CFTR-related disorders. Last evaluated: 2020-11-05. Review status: no assertion criteria provided. Collection method: clinical testing. Allele origin: germline. Not counted in ClinVar's aggregate classification.

Literature cited by the submitters: PubMed 17576681 (cited by Labcorp Genetics (formerly Invitae), Labcorp); PubMed 9536098 (cited by Labcorp Genetics (formerly Invitae), Labcorp).